The following continues an entry in ClinVar:

NM_002878.4(RAD51D):c.620C>T (p.Ser207Leu)

ClinVar aggregate classification (germline): Pathogenic/Likely pathogenic. Pathogenic (10); Likely pathogenic (16).

Submissions 28 to 30 of 30:

Department of Pathology and Laboratory Medicine, Sinai Health System
Classification: Likely pathogenic for breast cancer. Review status: no assertion criteria provided. Collection method: clinical testing. Allele origin: unknown. Affected: yes. Study: The Canadian Open Genetics Repository (COGR). Not counted in ClinVar's aggregate classification.
Comment: __The RAD51D p.Ser207Leu variant was identified in 13 of 682 proband chromosomes (frequency: 0.0190615835777126) from individuals or families with __and was present in 2 of 1860 control chromosomes (frequency: 0.0010752688172043) from healthy individuals (Rivera_2017_PMID: 28646019). The variant was identified in dbSNP (ID: rs370228071) as conflicting interpretations of pathogenicity and likely pathogenic, ClinVar (Conflicting interpretations of pathogenicity. Likely pathogenic by: Counsyl in 2018, Ambry in 2018, Integrated Genetics in 2018, GeneDx in 2018, Quest Diagnostics in 2019, Color in 2018, Invitae in 2019. VUS by: Institute for biomarker research in 2017, University of Washington in 2015, Fulgent in 2017), and LOVD 3.0 (one entry, not classified, effect unknown) databases. The variant was not identified in the Cosmic database. The variant was identified in control databases in 8 of 282800 chromosomes at a frequency of 0.00002829 (Genome Aggregation Database March 6, 2019, v2.1.1). The variant was observed in the following populations: Other in 1 of 7224 chromosomes (freq: 0.000138), East Asian in 1 of 19954 chromosomes (freq: 0.00005), European (non-Finnish) in 6 of 129132 chromosomes (freq: 0.000046), but was not observed in the African, Latino, Ashkenazi Jewish, European (Finnish), or South Asian populations. The p.Ser207 residue is conserved in mammals but not in more distantly related organisms, and four out of five computational analyses (PolyPhen-2, SIFT, AlignGVGD, BLOSUM, MutationTaster) suggest that the variant may impact the protein; however, this information is not predictive enough to assume pathogenicity. The variant occurs outside of the splicing consensus sequence and in silico or computational prediction software programs (SpliceSiteFinder, MaxEntScan, NNSPLICE, GeneSplicer) do not predict a difference in splicing. This variant is located in the RAD51C binding domain and the Walker B motif, which is important in homologous repair (Wiese_2006_16717288). The c.620C>T variant was shown to disrupt the interaction between RAD51D and XRCC2, which cause impaired homologous recombination (Rivera_2017_PMID: 28646019). __Rivera et al. (2017) identified this variant in 3.81% of high grade serous ovarian cancer cases and 0.2% of unaffected controls in the French Canadian population (Rivera_2017_PMID: 28646019). __The variant segregated with ovarian high-grade serous carcinoma in 3 families (Rivera_2017_PMID: 28646019). In summary, based on the above information the clinical significance of this variant cannot be determined with certainty at this time although we would lean towards a more pathogenic role for this variant. This variant is classified as likely pathogenic.

Fulgent Genetics
Classification: Uncertain significance for Breast-ovarian cancer, familial, susceptibility to, 4. Last evaluated: 2017-05-23. Review status: flagged submission. Criteria: ACMG Guidelines, 2015. Collection method: clinical testing. Allele origin: unknown. Not counted in ClinVar's aggregate classification.
ClinVar note: Reason: Older and outlier claim with insufficient supporting evidence

University of Washington Department of Laboratory Medicine, University of Washington
Classification: Uncertain significance for Hereditary cancer-predisposing syndrome. Last evaluated: 2015-11-20. Review status: flagged submission. Criteria: Shirts et al. (Genet Med 2016). Collection method: clinical testing. Allele origin: germline. Affected: yes. Observed: 1 variant allele. Not counted in ClinVar's aggregate classification.
ClinVar note: Reason: Older and outlier claim with insufficient supporting evidence

Literature cited by the submitters: PubMed 21822267 (cited by 6 submitters); PubMed 22986143 (cited by 8 submitters); PubMed 25186627 (cited by 6 submitters); PubMed 26845104 (cited by 5 submitters); PubMed 26976419 (cited by 4 submitters); PubMed 28646019 (cited by 10 submitters); PubMed 16717288 (cited by 3 submitters); PubMed 35565380 (cited by 4 submitters); PubMed 35710434 (cited by 4 submitters); PubMed 24139550 (cited by 5 submitters); PubMed 31844177 (cited by 5 submitters); PubMed 33471991 (cited by 4 submitters); PubMed 34433815 (cited by Color Diagnostics, LLC DBA Color Health and Quest Diagnostics Nichols Institute San Juan Capistrano); PubMed 34606182 (cited by 3 submitters); PubMed 34923718 (cited by Quest Diagnostics Nichols Institute San Juan Capistrano); PubMed 34298626 (cited by Quest Diagnostics Nichols Institute San Juan Capistrano); PubMed 31922703 (cited by Quest Diagnostics Nichols Institute San Juan Capistrano and Women's Health and Genetics/Laboratory Corporation of America, LabCorp); PubMed 26057125 (cited by Victorian Clinical Genetics Services, Murdoch Childrens Research Institute).